The following is an entry in ClinVar:

ClinVar aggregate classification (germline): Uncertain significance. Review status: criteria provided, multiple submitters, no conflicts (2 of 4 stars). 3 submissions from 3 submitters: Uncertain significance (3). Last evaluated 2024-07-11.

Conditions:
Fanconi anemia (FA). Also called: Fanconi's anemia. Identifiers: Orphanet 84, MedGen C0015625, MeSH D005199, MONDO:0019391.
Inborn genetic diseases. Identifiers: MedGen C0950123, MeSH D030342.

Allele frequency attached by ClinVar (database versions not stated): gnomAD exomes 0.00006; ExAC 0.00007; 1000 Genomes Project 30x 0.00016; 1000 Genomes Project 0.00020.
gnomAD v4.1: 40 of 1,613,898 alleles (0.0025%); highest among the groups gnomAD compares: South Asian, 0.042%; 1 homozygote.

Submissions (3):

Blueprint Genetics
Classification: Uncertain significance. Last evaluated: 2024-07-11. Review status: criteria provided, single submitter. Criteria: ACMG Guidelines, 2015. Collection method: clinical testing. Allele origin: germline.

Ambry Genetics
Classification: Uncertain significance for Inborn genetic diseases. Last evaluated: 2022-01-07. Review status: criteria provided, single submitter. Criteria: Ambry Variant Classification Scheme 2023. Collection method: clinical testing. Allele origin: germline.

Labcorp Genetics (formerly Invitae), Labcorp
Classification: Uncertain significance for Fanconi anemia. Last evaluated: 2021-09-02. Review status: criteria provided, single submitter. Criteria: Invitae Variant Classification Sherloc (09022015). Collection method: clinical testing. Allele origin: germline.
Comment: This sequence change replaces valine with methionine at codon 266 of the FANCD2 protein (p.Val266Met). The valine residue is moderately conserved and there is a small physicochemical difference between valine and methionine. This variant is present in population databases (rs530125285, ExAC 0.05%). This variant has not been reported in the literature in individuals affected with FANCD2-related conditions. Algorithms developed to predict the effect of missense changes on protein structure and function output the following: SIFT: "Deleterious"; PolyPhen-2: "Possibly Damaging"; Align-GVGD: "Class C0". The methionine amino acid residue is found in multiple mammalian species, which suggests that this missense change does not adversely affect protein function. In summary, the available evidence is currently insufficient to determine the role of this variant in disease. Therefore, it has been classified as a Variant of Uncertain Significance.

NM_001018115.3(FANCD2):c.796G>A (p.Val266Met)

Genes: FANCD2 (FA complementation group D2; plus strand), LOC107303338 (3p25 FANCD2 Alu-mediated recombination region; plus strand). Cytogenetic location: 3p25.3.
Variant type: single nucleotide variant.
Coding change: c.796G>A on transcript NM_001018115.3 (MANE Select); coding-DNA position 796, G replaced by A.
Protein change: p.Val266Met; replaces valine 266 with methionine.
Molecular consequence: missense variant.
Genome position (GRCh38, 1-based): chr3:10,042,571, G>A. VCF-style: chr3-10042571-G-A. GRCh37 (hg19) VCF-style: chr3-10084255-G-A.
Other names: c.796G>A, p.Val266Met (NM_001319984.2, NM_001374253.1, NM_001374254.1 and 1 more transcripts); c.796G>A (NM_033084.3); short protein forms V266M.
Identifiers: ClinVar variation 1037982 (VCV001037982.8), dbSNP rs530125285, ClinGen allele CA2249372.